The following is an entry in ClinVar:

NC_012920.1(MT-TT):m.15914A>G

Gene: MT-TT (mitochondrially encoded tRNA threonine; plus strand).
Variant type: single nucleotide variant.
Genome position: chrM-15914-A-G.
Identifiers: ClinVar variation 690232 (VCV000690232.1), dbSNP rs1603225587, ClinGen allele CA913175190.

ClinVar aggregate classification (germline): Benign (1 of 4 stars; one submission).

Conditions:
MELAS syndrome (MELAS). Also called: Juvenile myopathy, encephalopathy, lactic acidosis, stroke. Identifiers: Orphanet 550, MedGen C0162671, MONDO:0010789, OMIM 540000.

Submission:

Wong Mito Lab, Molecular and Human Genetics, Baylor College of Medicine
Classification: Benign for MELAS syndrome. Last evaluated: 2019-07-12. Review status: criteria provided, single submitter. Criteria: Modified ACMG Guidelines (Unpublished). Collection method: clinical testing. Allele origin: germline.
Comment: The NC_012920.1:m.15914A>G variant in MT-TT gene is interpreted to be a Benign variant based on the modified ACMG guidelines (unpublished). This variant meets the following evidence codes reported in the guidelines: BS1, BS2, BP4

Literature cited by the submitters: PubMed 31965079.